The following is an entry in ClinVar:

NM_000264.5(PTCH1):c.4022C>T (p.Pro1341Leu)

Gene: PTCH1 (patched 1; minus strand). Cytogenetic location: 9q22.32.
Variant type: single nucleotide variant.
Coding change: c.4022C>T on transcript NM_000264.5 (MANE Select); coding-DNA position 4022, C replaced by T.
Protein change: p.Pro1341Leu; replaces proline 1341 with leucine.
Molecular consequence: missense variant. On other transcripts: non-coding transcript variant (1).
Genome position (GRCh38, 1-based): chr9:95,447,234, G>A on the plus strand (C>T on the coding strand, the complement: PTCH1 is on the minus strand). VCF-style: chr9-95447234-G-A. GRCh37 (hg19) VCF-style: chr9-98209516-G-A.
Other names: c.3824C>T, p.Pro1275Leu (NM_001083602.3); c.4019C>T, p.Pro1340Leu (NM_001083603.3); c.3569C>T, p.Pro1190Leu (NM_001083604.3, NM_001083605.3, NM_001083606.3 and 1 more transcripts); c.3866C>T, p.Pro1289Leu (NM_001354918.2); short protein forms P1289L, P1275L, P1190L, P1340L, P1341L.
Identifiers: ClinVar variation 824517 (VCV000824517.7), dbSNP rs748609458, ClinGen allele CA5137980.

ClinVar aggregate classification (germline): Conflicting classifications of pathogenicity. Review status: criteria provided, conflicting classifications (1 of 4 stars). 2 submissions from 2 submitters: Uncertain significance (1); Likely benign (1). Last evaluated 2023-07-19.

Conditions:
Hereditary cancer-predisposing syndrome. Also called: Neoplastic Syndromes, Hereditary; Hereditary Cancer Syndrome; Hereditary neoplastic syndrome; Tumor predisposition. Identifiers: Orphanet 140162, MedGen C0027672, MeSH D009386, MONDO:0015356.
Gorlin syndrome. Also called: Nevoid Basal Cell Carcinoma Syndrome; Basal cell nevus syndrome. Identifiers: Orphanet 377, MedGen C0004779, MONDO:0007187.

Allele frequency attached by ClinVar (database versions not stated): gnomAD exomes below 0.00001; ExAC 0.00001.
gnomAD v4.1: 2 of 1,611,570 alleles (0.00012%); highest among the groups gnomAD compares: Non-Finnish European, 0.00017%; no homozygotes.

Submissions (2):

Labcorp Genetics (formerly Invitae), Labcorp
Classification: Likely benign for Gorlin syndrome. Last evaluated: 2023-07-19. Review status: criteria provided, single submitter. Criteria: Invitae Variant Classification Sherloc (09022015). Collection method: clinical testing. Allele origin: germline.

Ambry Genetics
Classification: Uncertain significance for Hereditary cancer-predisposing syndrome. Last evaluated: 2019-07-24. Review status: criteria provided, single submitter. Criteria: Ambry Variant Classification Scheme 2023. Collection method: clinical testing. Allele origin: germline.
Comment: The p.P1341L variant (also known as c.4022C>T), located in coding exon 23 of the PTCH1 gene, results from a C to T substitution at nucleotide position 4022. The proline at codon 1341 is replaced by leucine, an amino acid with similar properties. This amino acid position is not well conserved in available vertebrate species. In addition, this alteration is predicted to be tolerated by in silico analysis. Since supporting evidence is limited at this time, the clinical significance of this alteration remains unclear.